The following is an entry in ClinVar:

NM_003000.3(SDHB):c.658A>T (p.Ile220Phe)

Gene: SDHB (succinate dehydrogenase complex iron sulfur subunit B; minus strand). Cytogenetic location: 1p36.13.
Variant type: single nucleotide variant.
Coding change: c.658A>T on transcript NM_003000.3 (MANE Select); coding-DNA position 658, A replaced by T.
Protein change: p.Ile220Phe; replaces isoleucine 220 with phenylalanine.
Molecular consequence: missense variant.
Genome position (GRCh38, 1-based): chr1:17,022,715, T>A on the plus strand (A>T on the coding strand, the complement: SDHB is on the minus strand). VCF-style: chr1-17022715-T-A. GRCh37 (hg19) VCF-style: chr1-17349210-T-A.
Other names: c.604A>T, p.Ile202Phe (NM_001407361.1); short protein forms I202F, I220F.
Identifiers: ClinVar variation 2625095 (VCV002625095.3), dbSNP rs1188548211, ClinGen allele CA338270475.
Genomic context (GRCh38, chr1:17,022,715, plus strand): 5'-GAGAGAATGGGTCCTGCAGCTTGGCCAGGCGCTCCTCTGTGAAGTCATCTCTGGAGTCAA[T>A]CATCCAGCGATAGGCCTGGAAAACCAGGGATGATTAGCTGAGCTGCCAATCAACAGGCCA-3'
Protein context (NP_002991.2, residues 210-230): AVLMQAYRWM[Ile220Phe]DSRDDFTEER

ClinVar aggregate classification (germline): Uncertain significance (1 of 4 stars; one submission).

Conditions:
Hereditary cancer-predisposing syndrome. Also called: Neoplastic Syndromes, Hereditary; Tumor predisposition; Hereditary Cancer Syndrome; Hereditary neoplastic syndrome. Identifiers: Orphanet 140162, MedGen C0027672, MeSH D009386, MONDO:0015356.

Submission:

Ambry Genetics
Classification: Uncertain significance for Hereditary cancer-predisposing syndrome. Last evaluated: 2026-04-28. Review status: criteria provided, single submitter. Criteria: Ambry Variant Classification Scheme 2023. Collection method: clinical testing. Allele origin: germline.
Comment: The p.I220F variant (also known as c.658A>T), located in coding exon 7 of the SDHB gene, results from an A to T substitution at nucleotide position 658. The isoleucine at codon 220 is replaced by phenylalanine, an amino acid with highly similar properties. This amino acid position is conserved. In addition, this alteration is predicted to be deleterious by in silico analysis. Based on the available evidence, the clinical significance of this variant remains unclear.